The following is an entry in ClinVar:

ClinVar aggregate classification (germline): Uncertain significance (1 of 4 stars; one submission).

Allele frequency attached by ClinVar (database versions not stated): TOPMed below 0.00001; ExAC 0.00001; gnomAD exomes 0.00001; gnomAD 0.00002.
gnomAD v4.1: 11 of 1,613,696 alleles (0.00068%); highest among the groups gnomAD compares: Admixed American, 0.0067%; no homozygotes.

Submission:

Labcorp Genetics (formerly Invitae), Labcorp
Classification: Uncertain significance. Last evaluated: 2023-04-05. Review status: criteria provided, single submitter. Criteria: Invitae Variant Classification Sherloc (09022015). Collection method: clinical testing. Allele origin: germline.
Comment: In summary, the available evidence is currently insufficient to determine the role of this variant in disease. Therefore, it has been classified as a Variant of Uncertain Significance. An algorithm developed to predict the effect of missense changes on protein structure and function (PolyPhen-2) suggests that this variant is likely to be disruptive. ClinVar contains an entry for this variant (Variation ID: 1961513). This variant has not been reported in the literature in individuals affected with HMCN1-related conditions. This variant is present in population databases (rs775142563, gnomAD 0.004%). This sequence change replaces tyrosine, which is neutral and polar, with histidine, which is basic and polar, at codon 5507 of the HMCN1 protein (p.Tyr5507His).

NM_031935.3(HMCN1):c.16519T>C (p.Tyr5507His)

Genes: HMCN1 (hemicentin 1; plus strand), LOC126805953 (P300/CBP strongly-dependent group 1 enhancer GRCh37_chr1:186156636-186157835; plus strand). Cytogenetic location: 1q31.1.
Variant type: single nucleotide variant.
Coding change: c.16519T>C on transcript NM_031935.3 (MANE Select); coding-DNA position 16519, T replaced by C.
Protein change: p.Tyr5507His; replaces tyrosine 5507 with histidine.
Molecular consequence: missense variant.
Genome position (GRCh38, 1-based): chr1:186,187,987, T>C. VCF-style: chr1-186187987-T-C. GRCh37 (hg19) VCF-style: chr1-186157119-T-C.
Other names: short protein forms Y5507H.
Identifiers: ClinVar variation 1961513 (VCV001961513.5), dbSNP rs775142563, ClinGen allele CA1295585.